The following is an entry in ClinVar:

NM_206933.4(USH2A):c.5829T>C (p.Asp1943=)

Genes: USH2A (usherin; minus strand), USH2A-AS2 (USH2A antisense RNA 2; plus strand). Cytogenetic location: 1q41.
Variant type: single nucleotide variant.
Coding change: c.5829T>C on transcript NM_206933.4 (MANE Select); coding-DNA position 5829, T replaced by C.
Protein change: p.Asp1943=; no amino-acid change (aspartic acid 1943 retained).
Molecular consequence: synonymous variant.
Genome position (GRCh38, 1-based): chr1:216,072,917, A>G on the plus strand (T>C on the coding strand, the complement: USH2A is on the minus strand). VCF-style: chr1-216072917-A-G. GRCh37 (hg19) VCF-style: chr1-216246259-A-G.
Identifiers: ClinVar variation 766342 (VCV000766342.14), dbSNP rs140922350, ClinGen allele CA1395345.

ClinVar aggregate classification (germline): Likely benign. Review status: criteria provided, multiple submitters, no conflicts (2 of 4 stars). 4 submissions from 4 submitters: Likely benign (2). 2 of the submissions do not count toward it. Last evaluated 2025-10-26.

Conditions:
USH2A-related disorder. Also called: USH2A-related disorders; USH2A-related condition. Identifiers: MedGen CN239332.
Usher syndrome type 2A. Also called: RETINAL DISEASE IN USHER SYNDROME TYPE IIA, MODIFIER OF; USHER SYNDROME, TYPE IIA. Identifiers: Orphanet 231178, Orphanet 886, MedGen C1848634, MONDO:0010169, OMIM 276901.

Allele frequency attached by ClinVar (database versions not stated): ExAC 0.00002; gnomAD 0.00002; gnomAD exomes 0.00002 and 0.00003; TOPMed 0.00006; ESP Exome Variant Server 0.00008.
gnomAD v4.1: 38 of 1,613,832 alleles (0.0024%); highest among the groups gnomAD compares: Middle Eastern, 0.033%; no homozygotes.

Submissions (4):

Labcorp Genetics (formerly Invitae), Labcorp
Classification: Likely benign. Last evaluated: 2025-10-26. Review status: criteria provided, single submitter. Criteria: Invitae Variant Classification Sherloc (09022015). Collection method: clinical testing. Allele origin: germline.

Blueprint Genetics
Classification: Likely benign. Last evaluated: 2024-07-19. Review status: criteria provided, single submitter. Criteria: ACMG Guidelines, 2015. Collection method: clinical testing. Allele origin: germline.

Natera, Inc.
Classification: Likely benign for Usher syndrome type 2A. Last evaluated: 2021-01-11. Review status: no assertion criteria provided. Collection method: clinical testing. Allele origin: germline. Not counted in ClinVar's aggregate classification.

PreventionGenetics, part of Exact Sciences
Classification: Likely benign for USH2A-related condition. Last evaluated: 2019-07-12. Review status: no assertion criteria provided. Collection method: clinical testing. Allele origin: germline. Not counted in ClinVar's aggregate classification.
Comment: This variant is classified as likely benign based on ACMG/AMP sequence variant interpretation guidelines (Richards et al. 2015 PMID: 25741868, with internal and published modifications).